The following is an entry in ClinVar:

ClinVar aggregate classification (germline): Uncertain significance (1 of 4 stars; one submission).

Conditions:
Fibrous dysplasia of jaw (CRBM). Also called: Cherubism. Identifiers: Orphanet 184, MedGen C0008029, MONDO:0007315, OMIM 118400.

Allele frequency attached by ClinVar (database versions not stated): TOPMed below 0.00001; gnomAD 0.00001; gnomAD exomes 0.00001.
gnomAD v4.1: 18 of 1,606,976 alleles (0.0011%); highest among the groups gnomAD compares: Non-Finnish European, 0.0014%; no homozygotes.

Submission:

Labcorp Genetics (formerly Invitae), Labcorp
Classification: Uncertain significance for Fibrous dysplasia of jaw. Last evaluated: 2022-04-24. Review status: criteria provided, single submitter. Criteria: Invitae Variant Classification Sherloc (09022015). Collection method: clinical testing. Allele origin: germline.
Comment: In summary, the available evidence is currently insufficient to determine the role of this variant in disease. Therefore, it has been classified as a Variant of Uncertain Significance. Algorithms developed to predict the effect of missense changes on protein structure and function output the following: SIFT: "Deleterious"; PolyPhen-2: "Benign"; Align-GVGD: "Class C0". The serine amino acid residue is found in multiple mammalian species, which suggests that this missense change does not adversely affect protein function. This variant has not been reported in the literature in individuals affected with SH3BP2-related conditions. The frequency data for this variant in the population databases is considered unreliable, as metrics indicate poor data quality at this position in the gnomAD database. This sequence change replaces proline, which is neutral and non-polar, with serine, which is neutral and polar, at codon 434 of the SH3BP2 protein (p.Pro434Ser).

NM_001122681.2(SH3BP2):c.1300C>T (p.Pro434Ser)

Gene: SH3BP2 (SH3 domain binding protein 2; plus strand). Cytogenetic location: 4p16.3.
Variant type: single nucleotide variant.
Coding change: c.1300C>T on transcript NM_001122681.2 (MANE Select); coding-DNA position 1300, C replaced by T.
Protein change: p.Pro434Ser; replaces proline 434 with serine.
Molecular consequence: missense variant.
Genome position (GRCh38, 1-based): chr4:2,831,629, C>T. VCF-style: chr4-2831629-C-T. GRCh37 (hg19) VCF-style: chr4-2833356-C-T.
Other names: c.1384C>T, p.Pro462Ser (NM_001145855.2); c.1471C>T, p.Pro491Ser (NM_001145856.2); c.1300C>T, p.Pro434Ser (NM_003023.4); short protein forms P434S, P462S, P491S.
Identifiers: ClinVar variation 1973302 (VCV001973302.5), dbSNP rs1159129109, ClinGen allele CA356057789.